The following is an entry in ClinVar:

NM_001042517.2(DIAPH3):c.445A>C (p.Ser149Arg)

Gene: DIAPH3 (diaphanous related formin 3; minus strand). Cytogenetic location: 13q21.2.
Variant type: single nucleotide variant.
Coding change: c.445A>C on transcript NM_001042517.2 (MANE Select); coding-DNA position 445, A replaced by C.
Protein change: p.Ser149Arg; replaces serine 149 with arginine.
Molecular consequence: missense variant. On other transcripts: intron variant (1).
Genome position (GRCh38, 1-based): chr13:60,093,678, T>G on the plus strand (A>C on the coding strand, the complement: DIAPH3 is on the minus strand). VCF-style: chr13-60093678-T-G. GRCh37 (hg19) VCF-style: chr13-60667812-T-G.
Other names: c.412A>C, p.Ser138Arg (NM_001258366.2); c.235A>C, p.Ser79Arg (NM_001258368.2); c.445A>C, p.Ser149Arg (NM_001258369.2); c.357+18332A>C (NM_001258367.2); short protein forms S138R, S149R, S79R.
Identifiers: ClinVar variation 1311260 (VCV001311260.2), dbSNP rs1188611525, ClinGen allele CA388337111.

ClinVar aggregate classification (germline): Uncertain significance (1 of 4 stars; one submission).

Allele frequency attached by ClinVar (database versions not stated): gnomAD exomes below 0.00001; TOPMed below 0.00001.
gnomAD v4.1: 4 of 1,612,980 alleles (0.00025%); highest among the groups gnomAD compares: Non-Finnish European, 0.00034%; no homozygotes.

Submission:

GeneDx
Classification: Uncertain significance. Last evaluated: 2020-01-30. Review status: criteria provided, single submitter. Criteria: GeneDx Variant Classification Process June 2021. Collection method: clinical testing. Allele origin: germline. Affected: yes.
Comment: Not observed in large population cohorts (Lek et al., 2016); In silico analysis supports that this missense variant does not alter protein structure/function; Has not been previously published as pathogenic or benign to our knowledge